The following is an entry in ClinVar:

NM_000256.3(MYBPC3):c.3686T>C (p.Met1229Thr)

Gene: MYBPC3 (myosin binding protein C3; minus strand). Cytogenetic location: 11p11.2.
Variant type: single nucleotide variant.
Coding change: c.3686T>C on transcript NM_000256.3 (MANE Select); coding-DNA position 3686, T replaced by C.
Protein change: p.Met1229Thr; replaces methionine 1229 with threonine.
Molecular consequence: missense variant.
Genome position (GRCh38, 1-based): chr11:47,332,200, A>G on the plus strand (T>C on the coding strand, the complement: MYBPC3 is on the minus strand). VCF-style: chr11-47332200-A-G. GRCh37 (hg19) VCF-style: chr11-47353751-A-G.
Other names: short protein forms M1229T.
Identifiers: ClinVar variation 2773699 (VCV002773699.2), dbSNP rs2095877823, ClinGen allele CA380311452.
Genomic context (GRCh38, chr11:47,332,200, plus strand): 5'-CCCCCGTCAAAGGGGCAGGGCTTTCTAATCTCCAGAGTCAACACTCCCTGCTTGCTGAAC[A>G]TGCGGAAGCGGGCGTCTTCTCCCAGGTCCAGGCCATTCTTGAACCAGGAAATCTTGGGCT-3'
Protein context (NP_000247.2, residues 1219-1239): LDLGEDARFR[Met1229Thr]FSKQGVLTLE

ClinVar aggregate classification (germline): Uncertain significance (1 of 4 stars; one submission).

Conditions:
Cardiomyopathy (CMYO). Also called: Cardiomyopathies. Identifiers: Orphanet 167848, MedGen C0878544, MONDO:0004994, HP:0001638. Inheritance: Various modes of inheritance.

Submission:

Color Diagnostics, LLC DBA Color Health
Classification: Uncertain significance for Cardiomyopathy. Last evaluated: 2023-01-23. Review status: criteria provided, single submitter. Criteria: ACMG Guidelines, 2015. Collection method: clinical testing. Allele origin: germline.
Comment: This missense variant replaces methionine with threonine at codon 1229 of the MYBPC3 protein. Computational prediction suggests that this variant may not impact protein structure and function (internally defined REVEL score threshold <= 0.5, PMID: 27666373). To our knowledge, functional studies have not been reported for this variant. This variant has not been reported in individuals affected with MYBPC3-related disorders in the literature. This variant has not been identified in the general population by the Genome Aggregation Database (gnomAD). The available evidence is insufficient to determine the role of this variant in disease conclusively. Therefore, this variant is classified as a Variant of Uncertain Significance.